The following is an entry in ClinVar:

ClinVar aggregate classification (germline): Likely benign. Review status: criteria provided, multiple submitters, no conflicts (2 of 4 stars). 5 submissions from 5 submitters: Likely benign (3). 2 of the submissions do not count toward it. Last evaluated 2025-11-15.

Conditions:
RPGRIP1L-related disorder. Also called: RPGRIP1L-related condition; RPGRIP1L-related disorders. Identifiers: MedGen CN239416.
Joubert syndrome 7 (JBTS7). Identifiers: Orphanet 220497, MedGen C1969053, MONDO:0012694, OMIM 611560.
Meckel syndrome, type 5 (MKS5). Identifiers: Orphanet 564, MedGen C1969052, MONDO:0012695, OMIM 611561.
COACH syndrome 3. Identifiers: MedGen C5436841, MONDO:0030862, OMIM 619113.
Joubert syndrome. Also called: Familial aplasia of the vermis; JOUBERT-BOLTSHAUSER SYNDROME. Identifiers: Orphanet 475, MedGen C5979921, MONDO:0018772.
Meckel-Gruber syndrome. Also called: DYSENCEPHALIA SPLANCHNOCYSTICA; GRUBER SYNDROME; Dysencephalia splachnocystica. Identifiers: Orphanet 564, MedGen C0265215, MONDO:0018921.

Allele frequency attached by ClinVar (database versions not stated): gnomAD exomes 0.00001 and 0.00002; ExAC 0.00004; gnomAD 0.00009 and 0.00010; TOPMed 0.00011.
gnomAD v4.1: 23 of 1,611,720 alleles (0.0014%); highest among the groups gnomAD compares: African/African-American, 0.027%; no homozygotes.

Submissions (5):

Labcorp Genetics (formerly Invitae), Labcorp
Classification: Likely benign for Joubert syndrome; Meckel-Gruber syndrome. Last evaluated: 2025-11-15. Review status: criteria provided, single submitter. Criteria: Invitae Variant Classification Sherloc (09022015). Collection method: clinical testing. Allele origin: germline.

Blueprint Genetics
Classification: Likely benign. Last evaluated: 2024-07-08. Review status: criteria provided, single submitter. Criteria: ACMG Guidelines, 2015. Collection method: clinical testing. Allele origin: germline.

Fulgent Genetics
Classification: Likely benign for Joubert syndrome 7; Meckel syndrome, type 5; COACH syndrome 3. Last evaluated: 2021-12-24. Review status: criteria provided, single submitter. Criteria: ACMG Guidelines, 2015. Collection method: clinical testing. Allele origin: unknown.

PreventionGenetics, part of Exact Sciences
Classification: Likely benign for RPGRIP1L-related condition. Last evaluated: 2022-06-14. Review status: no assertion criteria provided. Collection method: clinical testing. Allele origin: germline. Not counted in ClinVar's aggregate classification.
Comment: This variant is classified as likely benign based on ACMG/AMP sequence variant interpretation guidelines (Richards et al. 2015 PMID: 25741868, with internal and published modifications).

Natera, Inc.
Classification: Likely benign for Joubert syndrome. Last evaluated: 2020-07-28. Review status: no assertion criteria provided. Collection method: clinical testing. Allele origin: germline. Not counted in ClinVar's aggregate classification.

NM_015272.5(RPGRIP1L):c.2683+7C>T

Gene: RPGRIP1L (RPGRIP1 like; minus strand). Cytogenetic location: 16q12.2.
Variant type: single nucleotide variant.
Coding change: c.2683+7C>T on transcript NM_015272.5 (MANE Select); 7 bases into the intron after coding-DNA position 2683, C replaced by T.
Molecular consequence: intron variant.
Genome position (GRCh38, 1-based): chr16:53,645,618, G>A on the plus strand (C>T on the coding strand, the complement: RPGRIP1L is on the minus strand). VCF-style: chr16-53645618-G-A. GRCh37 (hg19) VCF-style: chr16-53679530-G-A.
Other names: c.2683+7C>T (NM_001127897.4, NM_001330538.2, NM_001308334.3 and 1 more transcripts).
Identifiers: ClinVar variation 695575 (VCV000695575.15), dbSNP rs768922800, ClinGen allele CA8057499.
Genomic context (GRCh38, chr16:53,645,618, plus strand): 5'-TCCATAACACTAAGGTATAATTTTGTTTTGTTTTTACAATTTTATAGATTCAAAAACATA[G>A]GCTTACCTGAGATACACCTGTCATGTGCCAACGAAATCAGAGGCACATTGACTTTTCCTA-3'